The following is an entry in ClinVar:

NM_001365951.3(KIF1B):c.5194A>G (p.Ile1732Val)

Gene: KIF1B (kinesin family member 1B; plus strand). Cytogenetic location: 1p36.22.
Variant type: single nucleotide variant.
Coding change: c.5194A>G on transcript NM_001365951.3 (MANE Select); coding-DNA position 5194, A replaced by G.
Protein change: p.Ile1732Val; replaces isoleucine 1732 with valine.
Molecular consequence: missense variant.
Genome position (GRCh38, 1-based): chr1:10,374,951, A>G. VCF-style: chr1-10374951-A-G. GRCh37 (hg19) VCF-style: chr1-10435009-A-G.
Other names: c.5194A>G, p.Ile1732Val (NM_001365952.1); c.5056A>G, p.Ile1686Val (NM_015074.3); short protein forms I1732V, I1686V.
Identifiers: ClinVar variation 1745065 (VCV001745065.2), dbSNP rs750013465, ClinGen allele CA582285.

ClinVar aggregate classification (germline): Uncertain significance (1 of 4 stars; one submission).

Allele frequency attached by ClinVar (database versions not stated): gnomAD exomes below 0.00001; ExAC 0.00001.
gnomAD v4.1: 6 of 1,614,096 alleles (0.00037%); highest among the groups gnomAD compares: Non-Finnish European, 0.00051%; no homozygotes.

Submission:

Ambry Genetics
Classification: Uncertain significance. Last evaluated: 2023-11-22. Review status: criteria provided, single submitter. Criteria: Ambry Variant Classification Scheme 2023. Collection method: clinical testing. Allele origin: germline.
Comment: The p.I1686V variant (also known as c.5056A>G), located in coding exon 44 of the KIF1B gene, results from an A to G substitution at nucleotide position 5056. The isoleucine at codon 1686 is replaced by valine, an amino acid with highly similar properties. This amino acid position is highly conserved in available vertebrate species. In addition, this alteration is predicted to be tolerated by in silico analysis. Since supporting evidence is limited at this time, the clinical significance of this alteration remains unclear.